The following is an entry in ClinVar:

NM_015378.4(VPS13D):c.11650A>G (p.Ile3884Val)

Gene: VPS13D (vacuolar protein sorting 13 homolog D; plus strand). Cytogenetic location: 1p36.22.
Variant type: single nucleotide variant.
Coding change: c.11650A>G on transcript NM_015378.4 (MANE Select); coding-DNA position 11650, A replaced by G.
Protein change: p.Ile3884Val; replaces isoleucine 3884 with valine.
Molecular consequence: missense variant.
Genome position (GRCh38, 1-based): chr1:12,400,196, A>G. VCF-style: chr1-12400196-A-G. GRCh37 (hg19) VCF-style: chr1-12460253-A-G.
Other names: c.11575A>G, p.Ile3859Val (NM_018156.4); c.11650A>G (NM_015378.2); short protein forms I3859V, I3884V.
Identifiers: ClinVar variation 1942355 (VCV001942355.6), dbSNP rs754692261, ClinGen allele CA604002.

ClinVar aggregate classification (germline): Uncertain significance. Review status: criteria provided, multiple submitters, no conflicts (2 of 4 stars). 2 submissions from 2 submitters: Uncertain significance (2). Last evaluated 2025-05-03.

Conditions:
Inborn genetic diseases. Identifiers: MedGen C0950123, MeSH D030342.

Allele frequency attached by ClinVar (database versions not stated): gnomAD exomes below 0.00001; ExAC 0.00001; gnomAD 0.00001; TOPMed 0.00002.
gnomAD v4.1: 5 of 1,613,892 alleles (0.00031%); highest among the groups gnomAD compares: African/African-American, 0.0067%; no homozygotes.

Submissions (2):

Ambry Genetics
Classification: Uncertain significance for Inborn genetic diseases. Last evaluated: 2025-05-03. Review status: criteria provided, single submitter. Criteria: Ambry Variant Classification Scheme 2023. Collection method: clinical testing. Allele origin: germline.

Labcorp Genetics (formerly Invitae), Labcorp
Classification: Uncertain significance. Last evaluated: 2022-05-20. Review status: criteria provided, single submitter. Criteria: Invitae Variant Classification Sherloc (09022015). Collection method: clinical testing. Allele origin: germline.
Comment: This variant is present in population databases (rs754692261, gnomAD 0.007%). In summary, the available evidence is currently insufficient to determine the role of this variant in disease. Therefore, it has been classified as a Variant of Uncertain Significance. Algorithms developed to predict the effect of missense changes on protein structure and function are either unavailable or do not agree on the potential impact of this missense change (SIFT: "Not Available"; PolyPhen-2: "Benign"; Align-GVGD: "Not Available"). This variant has not been reported in the literature in individuals affected with VPS13D-related conditions. This sequence change replaces isoleucine, which is neutral and non-polar, with valine, which is neutral and non-polar, at codon 3884 of the VPS13D protein (p.Ile3884Val).